The following is an entry in ClinVar:

ClinVar aggregate classification (germline): Likely benign (0 of 4 stars; one submission).

Conditions:
OTUD7A-related disorder. Also called: OTUD7A-related condition.

Allele frequency attached by ClinVar (database versions not stated): ESP Exome Variant Server 0.00015; ExAC 0.00022; TOPMed 0.00027; gnomAD exomes 0.00035; gnomAD 0.00040.
gnomAD v4.1: 563 of 1,613,354 alleles (0.035%); highest among the groups gnomAD compares: Non-Finnish European, 0.038%; no homozygotes.

Submission:

PreventionGenetics, part of Exact Sciences
Classification: Likely benign for OTUD7A-related condition. Last evaluated: 2019-03-27. Review status: no assertion criteria provided. Collection method: clinical testing. Allele origin: germline.
Comment: This variant is classified as likely benign based on ACMG/AMP sequence variant interpretation guidelines (Richards et al. 2015 PMID: 25741868, with internal and published modifications).

NM_001382637.1(OTUD7A):c.331+6G>A

Gene: OTUD7A (OTU deubiquitinase 7A; minus strand). Cytogenetic location: 15q13.3.
Variant type: single nucleotide variant.
Coding change: c.331+6G>A on transcript NM_001382637.1 (MANE Select); 6 bases into the intron after coding-DNA position 331, G replaced by A.
Molecular consequence: intron variant.
Genome position (GRCh38, 1-based): chr15:31,570,012, C>T on the plus strand (G>A on the coding strand, the complement: OTUD7A is on the minus strand). VCF-style: chr15-31570012-C-T. GRCh37 (hg19) VCF-style: chr15-31862215-C-T.
Other names: c.331+6G>A (NM_130901.3, NM_001329907.2).
Identifiers: ClinVar variation 3048589 (VCV003048589.2), dbSNP rs200190777, ClinGen allele CA7453910.
Genomic context (GRCh38, chr15:31,570,012, plus strand): 5'-ACCCGCCTGCAAGCTGCGGTGCACTGGCCTGGGCGGCTGTGCCTAGGCTCAGTCCCTCAG[C>T]GGTACCTTGGGCAATGTCGTCCTGCCTCTGCAGGCAGGGTCGCTCCACCTTGTGCCCGGG-3'